The following is an entry in ClinVar:

ClinVar aggregate classification (germline): Likely benign (1 of 4 stars; one submission).

Conditions:
SH2B1-related disorder. Also called: SH2B1-related condition.

gnomAD v4.1: 2 of 1,577,398 alleles (0.00013%); highest among the groups gnomAD compares: Non-Finnish European, 0.00017%; no homozygotes.

Submission:

PreventionGenetics, part of Exact Sciences
Classification: Likely benign for SH2B1-related condition. Last evaluated: 2026-08-24. Review status: criteria provided, single submitter. Criteria: ACMG Guidelines, 2015. Collection method: clinical testing. Allele origin: germline.
Comment: This variant is classified as likely benign based on ACMG/AMP sequence variant interpretation guidelines (Richards et al. 2015 PMID: 25741868, with internal and published modifications).

NM_001387430.1(SH2B1):c.21A>G (p.Pro7=)

Gene: SH2B1 (SH2B adaptor protein 1; plus strand). Cytogenetic location: 16p11.2.
Variant type: single nucleotide variant.
Coding change: c.21A>G on transcript NM_001387430.1 (MANE Select); coding-DNA position 21, A replaced by G.
Protein change: p.Pro7=; no amino-acid change (proline 7 retained).
Molecular consequence: synonymous variant. On other transcripts: intron variant (1).
Genome position (GRCh38, 1-based): chr16:28,866,115, A>G. VCF-style: chr16-28866115-A-G. GRCh37 (hg19) VCF-style: chr16-28877436-A-G.
Other names: c.21A>G, p.Pro7= (NM_001145795.2, NM_001145796.2, NM_001145797.2 and 4 more transcripts); c.-26-1259A>G (NM_001308294.2).
Identifiers: ClinVar variation 4983980 (VCV004983980.1).